The following is an entry in ClinVar:

NM_001256.6(CDC27):c.1338A>G (p.Thr446=)

Gene: CDC27 (cell division cycle 27; minus strand). Cytogenetic location: 17q21.32.
Variant type: single nucleotide variant.
Coding change: c.1338A>G on transcript NM_001256.6 (MANE Select); coding-DNA position 1338, A replaced by G.
Protein change: p.Thr446=; no amino-acid change (threonine 446 retained).
Molecular consequence: synonymous variant. On other transcripts: non-coding transcript variant (1).
Genome position (GRCh38, 1-based): chr17:47,142,269, T>C on the plus strand (A>G on the coding strand, the complement: CDC27 is on the minus strand). VCF-style: chr17-47142269-T-C. GRCh37 (hg19) VCF-style: chr17-45219635-T-C.
Other names: c.1356A>G, p.Thr452= (NM_001114091.4); c.1338A>G, p.Thr446= (NM_001293089.3, NM_001353035.2, NM_001353047.2); c.1155A>G, p.Thr385= (NM_001293091.3, NM_001353049.2); c.1047A>G, p.Thr349= (NM_001353050.2); c.147A>G, p.Thr49= (NM_001353051.2).
Identifiers: ClinVar variation 4820784 (VCV004820784.4).

ClinVar aggregate classification (germline): Likely benign (1 of 4 stars; one submission).

Submission:

CeGaT Center for Human Genetics Tuebingen
Classification: Likely benign. Last evaluated: 2026-05-01. Review status: criteria provided, single submitter. Criteria: CeGaT Center For Human Genetics Tuebingen Variant Classification Criteria Version 2. Collection method: clinical testing. Allele origin: germline. Affected: yes. Observed: 2 variant alleles.
Comment: CDC27: PM2:Supporting, BP4, BP7